The following is an entry in ClinVar:

ClinVar aggregate classification (germline): Uncertain significance (1 of 4 stars; one submission).

Conditions:
Mitochondrial DNA depletion syndrome, encephalomyopathic form with methylmalonic aciduria (MTDPS5). Also called: Mitochondrial encephalomyopathy aminoacidopathy; MITOCHONDRIAL DNA DEPLETION SYNDROME, ENCEPHALOMYOPATHIC FORM, WITH OR WITHOUT METHYLMALONIC ACIDURIA, AUTOSOMAL RECESSIVE, SUCLA2-RELATED; Mitochondrial DNA depletion syndrome 5 (encephalomyopathic with or without methylmalonic aciduria); SUCLA2-Related Mitochondrial DNA Depletion Syndrome, Encephalomyopathic Form with Methylmalonic Aciduria. Identifiers: Orphanet 1933, MedGen C5980207, MONDO:0012791, OMIM 612073.

Submission:

Labcorp Genetics (formerly Invitae), Labcorp
Classification: Uncertain significance for Mitochondrial DNA depletion syndrome, encephalomyopathic form with methylmalonic aciduria. Last evaluated: 2023-06-09. Review status: criteria provided, single submitter. Criteria: Invitae Variant Classification Sherloc (09022015). Collection method: clinical testing. Allele origin: unknown.
Comment: In summary, the available evidence is currently insufficient to determine the role of this variant in disease. Therefore, it has been classified as a Variant of Uncertain Significance. This variant has not been reported in the literature in individuals affected with SUCLA2-related conditions. This variant is a gross deletion of the genomic region encompassing exon(s) 11 of the SUCLA2 gene, which includes the termination codon. This deletion extends beyond the assayed region for this gene and therefore may encompass additional genes. While this deletion is not anticipated to lead to nonsense mediated decay, it is expected to alter mRNA translation or result in a truncated protein product.

NC_000013.10:g.(?_48517506)_(48517600_?)del

Gene: SUCLA2 (succinate-CoA ligase ADP-forming subunit beta; minus strand). Cytogenetic location: 13q14.2.
Variant type: Deletion.
Identifiers: ClinVar variation 3244193 (VCV003244193.1).